The following is an entry in ClinVar:

ClinVar aggregate classification (germline): Uncertain significance (1 of 4 stars; one submission).

Conditions:
RAB23-related disorder. Also called: RAB23-related condition.

gnomAD v4.1: 4 of 1,586,496 alleles (0.00025%); highest among the groups gnomAD compares: South Asian, 0.0033%; no homozygotes.

Submission:

PreventionGenetics, part of Exact Sciences
Classification: Uncertain significance for RAB23-related condition. Last evaluated: 2024-11-09. Review status: criteria provided, single submitter. Criteria: ACMG Guidelines, 2015. Collection method: clinical testing. Allele origin: germline.
Comment: The RAB23 c.161A>T variant is predicted to result in the amino acid substitution p.Asn54Ile. To our knowledge, this variant has not been reported in the literature. This variant is reported in 0.010% of alleles in individuals of South Asian descent in gnomAD. At this time, the clinical significance of this variant is uncertain due to the absence of conclusive functional and genetic evidence.

NM_016277.5(RAB23):c.161A>T (p.Asn54Ile)

Gene: RAB23 (RAB23, member RAS oncogene family; minus strand). Cytogenetic location: 6p11.2.
Variant type: single nucleotide variant.
Coding change: c.161A>T on transcript NM_016277.5 (MANE Select); coding-DNA position 161, A replaced by T.
Protein change: p.Asn54Ile; replaces asparagine 54 with isoleucine.
Molecular consequence: missense variant.
Genome position (GRCh38, 1-based): chr6:57,207,708, T>A on the plus strand (A>T on the coding strand, the complement: RAB23 is on the minus strand). VCF-style: chr6-57207708-T-A. GRCh37 (hg19) VCF-style: chr6-57072506-T-A.
Other names: c.161A>T, p.Asn54Ile (NM_001278666.2, NM_001278667.2, NM_001278668.2 and 1 more transcripts); short protein forms N54I.
Identifiers: ClinVar variation 4998116 (VCV004998116.1).
Genomic context (GRCh38, chr6:57,207,708, plus strand): 5'-ATTGCATCAAATTCCTCCTGACCTGCAGTGTCCCATAACATTAGTCTGACATCTTCATCA[T>A]TAACTCTAAAACAAGAGATGAATTTATTTCATATGTAAAGGAAAATGTTTTTGGTAATAT-3'
Protein context (NP_057361.3, residues 44-64): VDFLERQIQV[Asn54Ile]DEDVRLMLWD